The following is an entry in ClinVar:

NM_000051.4(ATM):c.331+1G>A

Gene: ATM (ATM serine/threonine kinase; plus strand). Cytogenetic location: 11q22.3.
Variant type: single nucleotide variant.
Coding change: c.331+1G>A on transcript NM_000051.4 (MANE Select); the canonical splice donor site of the intron after coding-DNA position 331, G replaced by A.
Molecular consequence: splice donor variant. On other transcripts: missense variant (2).
Genome position (GRCh38, 1-based): chr11:108,229,324, G>A. VCF-style: chr11-108229324-G-A. GRCh37 (hg19) VCF-style: chr11-108100051-G-A.
Other names: c.332G>A, p.Ser111Asn (NM_001351835.2, NM_001351836.2); c.331+1G>A (NM_001351834.2); short protein forms S111N.
Identifiers: ClinVar variation 487450 (VCV000487450.23), dbSNP rs1555055356, ClinGen allele CA382521837.

ClinVar aggregate classification (germline): Pathogenic/Likely pathogenic. Review status: criteria provided, multiple submitters, no conflicts (2 of 4 stars). 8 submissions from 8 submitters: Pathogenic (4); Likely pathogenic (3). 1 of the submissions does not count toward it. Last evaluated 2025-07-14.

Conditions:
Hereditary cancer-predisposing syndrome. Also called: Tumor predisposition; Hereditary Cancer Syndrome; Neoplastic Syndromes, Hereditary; Hereditary neoplastic syndrome. Identifiers: Orphanet 140162, MedGen C0027672, MeSH D009386, MONDO:0015356.
Ataxia-telangiectasia syndrome (AT). Also called: Cerebello-oculocutaneous telangiectasia; Immunodeficiency with ataxia telangiectasia; Ataxia-telangiectasia; Ataxia-telangiectasia, complementation group D; AT, COMPLEMENTATION GROUP C; ATAXIA-TELANGIECTASIA, COMPLEMENTATION GROUP A. Identifiers: Orphanet 100, MedGen C0004135, MONDO:0008840, OMIM 208900.
ATM-related disorder. Also called: ATM-related disorders; ATM-related condition.
Familial cancer of breast. Also called: hereditary breast carcinoma; Hereditary breast cancer; BREAST CANCER, FAMILIAL. Identifiers: Orphanet 227535, MedGen C0346153, MONDO:0016419, OMIM 114480. Disease mechanism: loss of function.

Allele frequency attached by ClinVar (database versions not stated): gnomAD exomes below 0.00001.
gnomAD v4.1: 1 of 1,605,522 alleles (0.000062%); highest among the groups gnomAD compares: Non-Finnish European, 0.000085%; no homozygotes.

Submissions (8):

Labcorp Genetics (formerly Invitae), Labcorp
Classification: Pathogenic for Ataxia-telangiectasia syndrome. Last evaluated: 2025-07-14. Review status: criteria provided, single submitter. Criteria: Invitae Variant Classification Sherloc (09022015). Collection method: clinical testing. Allele origin: germline.
Comment: This sequence change affects a donor splice site in intron 4 of the ATM gene. RNA analysis indicates that disruption of this splice site induces altered splicing and may result in an absent or altered protein product. This variant is not present in population databases (gnomAD no frequency). Disruption of this splice site has been observed in individual(s) with clinical features of ataxia-telangiectasia (PMID: 31921190). In at least one individual the data is consistent with being in trans (on the opposite chromosome) from a pathogenic variant. ClinVar contains an entry for this variant (Variation ID: 487450). Studies have shown that disruption of this splice site results in skipping of exon 4, and produces a non-functional protein and/or introduces a premature termination codon (internal data). For these reasons, this variant has been classified as Pathogenic.

Color Diagnostics, LLC DBA Color Health
Classification: Likely pathogenic for Hereditary cancer-predisposing syndrome. Last evaluated: 2025-04-09. Review status: criteria provided, single submitter. Criteria: ACMG Guidelines, 2015. Collection method: clinical testing. Allele origin: germline.
Comment: This variant causes a G to A nucleotide substitution at the canonical +1 position of intron 4 of the ATM gene. Splice site prediction tools predict that this variant may have a significant impact on RNA splicing. Although functional studies have not been reported for this variant, it is expected to result in an absent or non-functional protein product. This variant has been observed in the compound heterozygous state in an individual affected with ataxia-telangiectasia (PMID: 31921190). This variant has also been reported in an individual affected with gastroesophageal junction adenocarcinoma, cervical cancer and parathyroid cancer (PMID: 35078243). This variant has not been identified in the general population by the Genome Aggregation Database (gnomAD). Loss of ATM function is a known mechanism of disease. Based on the available evidence, this variant is classified as Likely Pathogenic.

Myriad Genetics, Inc.
Classification: Likely pathogenic for Familial cancer of breast. Last evaluated: 2024-01-09. Review status: criteria provided, single submitter. Criteria: Myriad Autosomal Dominant, Autosomal Recessive and X-Linked Classification Criteria (2023). Collection method: clinical testing. Allele origin: unknown.
Comment: This variant is considered likely pathogenic. This variant occurs within a consensus splice junction and is predicted to result in abnormal mRNA splicing of either an out-of-frame exon or an in-frame exon necessary for protein stability and/or normal function.

Baylor Genetics
Classification: Pathogenic for Familial cancer of breast. Last evaluated: 2023-10-02. Review status: criteria provided, single submitter. Criteria: ACMG Guidelines, 2015. Collection method: clinical testing. Allele origin: unknown.

Ambry Genetics
Classification: Pathogenic for Hereditary cancer-predisposing syndrome. Last evaluated: 2022-12-19. Review status: criteria provided, single submitter. Criteria: Ambry Variant Classification Scheme 2023. Collection method: clinical testing. Allele origin: germline.
Comment: The c.331+1G>A pathogenic mutation results from a G to A substitution one nucleotide after coding exon 3 of the ATM gene. This nucleotide position is highly conserved in available vertebrate species. In silico splice site analysis predicts that this alteration will weaken the native splice donor site. RNA studies have demonstrated that this alteration results in abnormal splicing in the set of samples tested (Ambry internal data). Another mutation at this donor site, c.331+5G>A, results in the same abnormal splicing event and has been reported in multiple individuals with a clinical diagnosis of ataxia-telangiectasia (A-T) (Nakamura K, et al. Hum. Mutat. 2012 Jan; 33(1):198-208, Morio T, et al. Int. J. Hematol. 2009 Nov; 90(4):455-62, Verhagen MM et al, Neurology 2009 Aug; 73(6):430-7, Verhagen MM, et al. Hum. Mutat. 2012 Mar; 33(3):561-71). Based on the supporting evidence, this alteration is interpreted as a disease-causing mutation.

GeneDx
Classification: Pathogenic. Last evaluated: 2022-10-17. Review status: criteria provided, single submitter. Criteria: GeneDx Variant Classification Process June 2021. Collection method: clinical testing. Allele origin: germline. Affected: yes.
Comment: Not observed in large population cohorts (gnomAD); Canonical splice site variant in a gene for which loss-of-function is a known mechanism of disease; Observed in an individual with pancreatic cancer (Hutchings et al., 2019); This variant is associated with the following publications: (PMID: 31285527, 31921190)

Blueprint Genetics
Classification: Likely pathogenic for ATM-related disorders. Last evaluated: 2018-08-06. Review status: criteria provided, single submitter. Criteria: ACMG Guidelines, 2015. Collection method: clinical testing. Allele origin: germline. Affected: yes. Observed: 1 variant allele.

Counsyl
Classification: Likely pathogenic for Ataxia-telangiectasia syndrome. Last evaluated: 2016-12-21. Review status: no assertion criteria provided. Collection method: clinical testing. Allele origin: unknown. Not counted in ClinVar's aggregate classification.

Literature cited by the submitters: PubMed 31921190 (cited by Labcorp Genetics (formerly Invitae), Labcorp and Color Diagnostics, LLC DBA Color Health); PubMed 35078243 (cited by Color Diagnostics, LLC DBA Color Health).